The following is an entry in ClinVar:

NM_052813.5(CARD9):c.1243C>T (p.Arg415Trp)

Gene: CARD9 (caspase recruitment domain family member 9; minus strand). Cytogenetic location: 9q34.3.
Variant type: single nucleotide variant.
Coding change: c.1243C>T on transcript NM_052813.5 (MANE Select); coding-DNA position 1243, C replaced by T.
Protein change: p.Arg415Trp; replaces arginine 415 with tryptophan.
Molecular consequence: missense variant.
Genome position (GRCh38, 1-based): chr9:136,367,663, G>A on the plus strand (C>T on the coding strand, the complement: CARD9 is on the minus strand). VCF-style: chr9-136367663-G-A. GRCh37 (hg19) VCF-style: chr9-139262115-G-A.
Other names: c.1243C>T, p.Arg415Trp (NM_052814.4); short protein forms R415W.
Identifiers: ClinVar variation 935413 (VCV000935413.7), dbSNP rs754119986, ClinGen allele CA5332787.

ClinVar aggregate classification (germline): Uncertain significance (1 of 4 stars; one submission).

Conditions:
Predisposition to invasive fungal disease due to CARD9 deficiency (IMD103). Also called: Candidiasis, familial, 2, autosomal recessive; CARD9 IMMUNODEFICIENCY; IMMUNODEFICIENCY 103, SUSCEPTIBILITY TO FUNGAL INFECTIONS. Identifiers: Orphanet 457088, MedGen C1859353, MONDO:0008905, OMIM 212050.

Allele frequency attached by ClinVar (database versions not stated): gnomAD 0.00001; TOPMed 0.00002.

Submission:

Labcorp Genetics (formerly Invitae), Labcorp
Classification: Uncertain significance for Predisposition to invasive fungal disease due to CARD9 deficiency. Last evaluated: 2021-08-24. Review status: criteria provided, single submitter. Criteria: Invitae Variant Classification Sherloc (09022015). Collection method: clinical testing. Allele origin: germline.
Comment: This sequence change replaces arginine with tryptophan at codon 415 of the CARD9 protein (p.Arg415Trp). The arginine residue is moderately conserved and there is a moderate physicochemical difference between arginine and tryptophan. This variant is present in population databases (rs754119986, ExAC 0.003%). This variant has not been reported in the literature in individuals affected with CARD9-related conditions. Algorithms developed to predict the effect of missense changes on protein structure and function output the following: SIFT: "Deleterious"; PolyPhen-2: "Benign"; Align-GVGD: "Class C0". The tryptophan amino acid residue is found in multiple mammalian species, which suggests that this missense change does not adversely affect protein function. Algorithms developed to predict the effect of sequence changes on RNA splicing suggest that this variant may create or strengthen a splice site. In summary, the available evidence is currently insufficient to determine the role of this variant in disease. Therefore, it has been classified as a Variant of Uncertain Significance.